The following is an entry in ClinVar:

ClinVar aggregate classification (germline): Uncertain significance (1 of 4 stars; one submission).

Conditions:
Cardiovascular phenotype. Identifiers: MedGen CN230736.

Submission:

Ambry Genetics
Classification: Uncertain significance for Cardiovascular phenotype. Last evaluated: 2018-02-20. Review status: criteria provided, single submitter. Criteria: Ambry Variant Classification Scheme 2023. Collection method: clinical testing. Allele origin: germline.
Comment: The p.I4341V variant (also known as c.13021A>G), located in coding exon 29 of the APOB gene, results from an A to G substitution at nucleotide position 13021. The isoleucine at codon 4341 is replaced by valine, an amino acid with highly similar properties. This amino acid position is not well conserved in available vertebrate species, and valine is the reference amino acid in other vertebrate species. In addition, this alteration is predicted to be tolerated by in silico analysis. Since supporting evidence is limited at this time, the clinical significance of this alteration remains unclear.

NM_000384.3(APOB):c.13021A>G (p.Ile4341Val)

Gene: APOB (apolipoprotein B; minus strand). Cytogenetic location: 2p24.1.
Variant type: single nucleotide variant.
Coding change: c.13021A>G on transcript NM_000384.3 (MANE Select); coding-DNA position 13021, A replaced by G.
Protein change: p.Ile4341Val; replaces isoleucine 4341 with valine.
Molecular consequence: missense variant.
Genome position (GRCh38, 1-based): chr2:21,002,401, T>C on the plus strand (A>G on the coding strand, the complement: APOB is on the minus strand). VCF-style: chr2-21002401-T-C. GRCh37 (hg19) VCF-style: chr2-21225273-T-C.
Other names: short protein forms I4341V.
Identifiers: ClinVar variation 1769425 (VCV001769425.2), dbSNP rs2465348968, ClinGen allele CA345969785.